The following is an entry in ClinVar:

ClinVar aggregate classification (germline): Uncertain significance (1 of 4 stars; one submission).

Conditions:
Hereditary cancer-predisposing syndrome. Also called: Tumor predisposition; Neoplastic Syndromes, Hereditary; Hereditary neoplastic syndrome; Hereditary Cancer Syndrome. Identifiers: Orphanet 140162, MedGen C0027672, MeSH D009386, MONDO:0015356.

Submission:

Ambry Genetics
Classification: Uncertain significance for Hereditary cancer-predisposing syndrome. Last evaluated: 2025-07-11. Review status: criteria provided, single submitter. Criteria: Ambry Variant Classification Scheme 2023. Collection method: clinical testing. Allele origin: germline.
Comment: The c.2682delA variant, located in coding exon 11 of the MET gene, results from a deletion of one nucleotide at nucleotide position 2682, causing a translational frameshift with a predicted alternate stop codon (p.V895Lfs*25). This alteration is expected to result in protein truncation or nonsense-mediated mRNA decay. However, loss of function of MET has not been established as a mechanism of disease. Based on the available evidence, the clinical significance of this alteration remains unclear.

NM_000245.4(MET):c.2628del (p.Val877fs)

Gene: MET (MET proto-oncogene, receptor tyrosine kinase; plus strand). Cytogenetic location: 7q31.2.
Variant type: Deletion.
Coding change: c.2628del on transcript NM_000245.4 (MANE Select); coding-DNA position 2628, one base deleted (A; older notation c.2628delA).
Protein change: p.Val877fs; shifts the reading frame from valine 877.
Molecular consequence: frameshift variant.
Genome position (GRCh38, 1-based): chr7:116,769,689, A deleted; the last of 4 consecutive A bases (chr7:116,769,686-116,769,689); deleting any one gives the same sequence. VCF-style (leftmost placement, unchanged base first): chr7-116769685-TA-T. GRCh37 (hg19) VCF-style: chr7-116409739-TA-T.
Other names: c.2682del, p.Val895fs (NM_001127500.3); c.2628del, p.Val877fs (NM_001324401.3); c.1338del, p.Val447fs (NM_001324402.2); short protein forms V895fs, V447fs, V877fs.
Identifiers: ClinVar variation 4106738 (VCV004106738.1).